The following is an entry in ClinVar:

ClinVar aggregate classification (germline): Benign. Review status: criteria provided, multiple submitters, no conflicts (2 of 4 stars). 4 submissions from 4 submitters: Benign (3). 1 of the submissions does not count toward it. Last evaluated 2023-02-01.

Conditions:
SHANK3-related disorder. Also called: SHANK3-related condition.
Inborn genetic diseases. Identifiers: MedGen C0950123, MeSH D030342.

Allele frequency attached by ClinVar (database versions not stated): gnomAD exomes 0.00100; ExAC 0.00104; ESP Exome Variant Server 0.00348; gnomAD 0.00404 and 0.00434; 1000 Genomes Project 30x 0.00406; TOPMed 0.00448; 1000 Genomes Project 0.00459.

Submissions (4):

CeGaT Center for Human Genetics Tuebingen
Classification: Benign. Last evaluated: 2023-02-01. Review status: criteria provided, single submitter. Criteria: CeGaT Center For Human Genetics Tuebingen Variant Classification Criteria Version 2. Collection method: clinical testing. Allele origin: germline. Affected: yes. Observed: 1 variant allele.
Comment: SHANK3: BP4, BS1, BS2

GeneDx
Classification: Benign. Last evaluated: 2020-01-02. Review status: criteria provided, single submitter. Criteria: GeneDx Variant Classification Process June 2021. Collection method: clinical testing. Allele origin: germline. Affected: yes.

Ambry Genetics
Classification: Benign for Inborn genetic diseases. Last evaluated: 2016-12-12. Review status: criteria provided, single submitter. Criteria: Ambry Variant Classification Scheme 2023. Collection method: clinical testing. Allele origin: germline.

PreventionGenetics, part of Exact Sciences
Classification: Benign for SHANK3-related condition. Last evaluated: 2019-09-06. Review status: no assertion criteria provided. Collection method: clinical testing. Allele origin: germline. Not counted in ClinVar's aggregate classification.
Comment: This variant is classified as benign based on ACMG/AMP sequence variant interpretation guidelines (Richards et al. 2015 PMID: 25741868, with internal and published modifications).

NM_001372044.2(SHANK3):c.1191-5C>T

Gene: SHANK3 (SH3 and multiple ankyrin repeat domains 3; plus strand). Cytogenetic location: 22q13.33.
Variant type: single nucleotide variant.
Coding change: c.1191-5C>T on transcript NM_001372044.2 (MANE Select); 5 bases into the intron before coding-DNA position 1191, C replaced by T.
Molecular consequence: intron variant.
Genome position (GRCh38, 1-based): chr22:50,684,580, C>T. VCF-style: chr22-50684580-C-T. GRCh37 (hg19) VCF-style: chr22-51123008-C-T.
Other names: c.964-5C>T (NM_033517.1).
Identifiers: ClinVar variation 588542 (VCV000588542.30), dbSNP rs146144920, ClinGen allele CA10325439.